The following is an entry in ClinVar:

ClinVar aggregate classification (germline): Uncertain significance. Review status: criteria provided, multiple submitters, no conflicts (2 of 4 stars). 2 submissions from 2 submitters: Uncertain significance (2). Last evaluated 2025-10-16.

Conditions:
Hereditary cancer-predisposing syndrome. Also called: Tumor predisposition; Hereditary neoplastic syndrome; Neoplastic Syndromes, Hereditary; Hereditary Cancer Syndrome. Identifiers: Orphanet 140162, MedGen C0027672, MeSH D009386, MONDO:0015356.

Submissions (2):

Ambry Genetics
Classification: Uncertain significance for Hereditary cancer-predisposing syndrome. Last evaluated: 2025-10-16. Review status: criteria provided, single submitter. Criteria: Ambry Variant Classification Scheme 2023. Collection method: clinical testing. Allele origin: germline.
Comment: The p.H243Y variant (also known as c.727C>T), located in coding exon 4 of the MSH3 gene, results from a C to T substitution at nucleotide position 727. The histidine at codon 243 is replaced by tyrosine, an amino acid with similar properties. This amino acid position is conserved. In addition, this alteration is predicted to be tolerated by in silico analysis. Based on the available evidence, the clinical significance of this variant remains unclear.

Labcorp Genetics (formerly Invitae), Labcorp
Classification: Uncertain significance. Last evaluated: 2023-06-16. Review status: criteria provided, single submitter. Criteria: Invitae Variant Classification Sherloc (09022015). Collection method: clinical testing. Allele origin: germline.
Comment: In summary, the available evidence is currently insufficient to determine the role of this variant in disease. Therefore, it has been classified as a Variant of Uncertain Significance. An algorithm developed to predict the effect of missense changes on protein structure and function (PolyPhen-2) suggests that this variant is likely to be tolerated. ClinVar contains an entry for this variant (Variation ID: 1011377). This variant has not been reported in the literature in individuals affected with MSH3-related conditions. This variant is not present in population databases (gnomAD no frequency). This sequence change replaces histidine, which is basic and polar, with tyrosine, which is neutral and polar, at codon 243 of the MSH3 protein (p.His243Tyr).

NM_002439.5(MSH3):c.727C>T (p.His243Tyr)

Gene: MSH3 (mutS homolog 3; plus strand). Cytogenetic location: 5q14.1.
Variant type: single nucleotide variant.
Coding change: c.727C>T on transcript NM_002439.5 (MANE Select); coding-DNA position 727, C replaced by T.
Protein change: p.His243Tyr; replaces histidine 243 with tyrosine.
Molecular consequence: missense variant.
Genome position (GRCh38, 1-based): chr5:80,670,244, C>T. VCF-style: chr5-80670244-C-T. GRCh37 (hg19) VCF-style: chr5-79966063-C-T.
Other names: c.727C>T (NM_002439.3); short protein forms H243Y.
Identifiers: ClinVar variation 1011377 (VCV001011377.9), dbSNP rs1749674801, ClinGen allele CA360266887.
Genomic context (GRCh38, chr5:80,670,244, plus strand): 5'-AAACGGTCCAAAAGCATCTATACGCCGCTAGAATTACAATACATAGAAATGAAGCAGCAG[C>T]ACAAAGATGCAGTTTTGTGTGTGGAATGTGGATATAAGTATAGATTCTTTGGGGAAGATG-3'
Protein context (NP_002430.3, residues 233-253): ELQYIEMKQQ[His243Tyr]KDAVLCVECG